The following is an entry in ClinVar:

ClinVar aggregate classification (germline): Conflicting classifications of pathogenicity. Review status: criteria provided, conflicting classifications (1 of 4 stars). 3 submissions from 3 submitters: Uncertain significance (2); Benign (1). Last evaluated 2026-06-29.

Conditions:
Ehlers-Danlos syndrome, classic type, 1 (EDSCL1). Also called: Ehlers-Danlos Syndrome, Classic Type, COL5A1-Related; Ehlers-Danlos syndrome, type 1; EDS I; EHLERS-DANLOS SYNDROME, GRAVIS TYPE; EHLERS-DANLOS SYNDROME, SEVERE CLASSIC TYPE. Identifiers: MedGen C0268335, MONDO:0019567, OMIM 130000.
Familial thoracic aortic aneurysm and aortic dissection (TAAD). Also called: Thoracic aortic aneurysms and dissections. Identifiers: Orphanet 91387, MedGen C4707243, MONDO:0019625.

Allele frequency attached by ClinVar (database versions not stated): gnomAD exomes below 0.00001; gnomAD 0.00001; TOPMed 0.00001; ExAC 0.00001.

Submissions (3):

Ambry Genetics
Classification: Uncertain significance for Familial thoracic aortic aneurysm and aortic dissection. Last evaluated: 2026-06-29. Review status: criteria provided, single submitter. Criteria: Ambry Variant Classification Scheme 2023. Collection method: clinical testing. Allele origin: germline.
Comment: The p.P153H variant (also known as c.458C>A), located in coding exon 3 of the COL5A1 gene, results from a C to A substitution at nucleotide position 458. The proline at codon 153 is replaced by histidine, an amino acid with similar properties. This amino acid position is highly conserved in available vertebrate species. In addition, the in silico prediction for this alteration is inconclusive. Based on the available evidence, the clinical significance of this variant remains unclear.

Labcorp Genetics (formerly Invitae), Labcorp
Classification: Benign for Ehlers-Danlos syndrome, classic type, 1. Last evaluated: 2025-09-21. Review status: criteria provided, single submitter. Criteria: Invitae Variant Classification Sherloc (09022015). Collection method: clinical testing. Allele origin: germline.

GeneDx
Classification: Uncertain significance. Last evaluated: 2022-06-21. Review status: criteria provided, single submitter. Criteria: GeneDx Variant Classification Process June 2021. Collection method: clinical testing. Allele origin: germline. Affected: yes.
Comment: Not observed at significant frequency in large population cohorts (gnomAD); In silico analysis supports that this missense variant has a deleterious effect on protein structure/function; Not located in the triple helical region, where the majority of pathogenic missense variants occur (Symoens et al., 2012; HGMD); Has not been previously published as pathogenic or benign to our knowledge; This variant is associated with the following publications: (PMID: 22696272)

NM_000093.5(COL5A1):c.458C>A (p.Pro153His)

Gene: COL5A1 (collagen type V alpha 1 chain; plus strand). Cytogenetic location: 9q34.3.
Variant type: single nucleotide variant.
Coding change: c.458C>A on transcript NM_000093.5 (MANE Select); coding-DNA position 458, C replaced by A.
Protein change: p.Pro153His; replaces proline 153 with histidine.
Molecular consequence: missense variant.
Genome position (GRCh38, 1-based): chr9:134,700,089, C>A. VCF-style: chr9-134700089-C-A. GRCh37 (hg19) VCF-style: chr9-137591935-C-A.
Other names: c.458C>A, p.Pro153His (NM_001278074.1); short protein forms P153H.
Identifiers: ClinVar variation 1393857 (VCV001393857.13), dbSNP rs771925785, ClinGen allele CA5318305.